The following is an entry in ClinVar:

NM_001378030.1(CCDC78):c.468T>G (p.Asn156Lys)

Gene: CCDC78 (coiled-coil domain containing 78; minus strand). Cytogenetic location: 16p13.3.
Variant type: single nucleotide variant.
Coding change: c.468T>G on transcript NM_001378030.1 (MANE Select); coding-DNA position 468, T replaced by G.
Protein change: p.Asn156Lys; replaces asparagine 156 with lysine.
Molecular consequence: missense variant. On other transcripts: non-coding transcript variant (5).
Genome position (GRCh38, 1-based): chr16:725,261, A>C on the plus strand (T>G on the coding strand, the complement: CCDC78 is on the minus strand). VCF-style: chr16-725261-A-C. GRCh37 (hg19) VCF-style: chr16-775261-A-C.
Other names: c.468T>G, p.Asn156Lys (NM_001031737.3, NM_001378031.1); c.15T>G, p.Asn5Lys (NM_001378033.1); short protein forms N156K, N5K.
Identifiers: ClinVar variation 473259 (VCV000473259.10), dbSNP rs370998388, ClinGen allele CA7789585.

ClinVar aggregate classification (germline): Conflicting classifications of pathogenicity. Review status: criteria provided, conflicting classifications (1 of 4 stars). 3 submissions from 3 submitters: Uncertain significance (2); Likely benign (1). Last evaluated 2025-12-06.

Conditions:
Inborn genetic diseases. Identifiers: MedGen C0950123, MeSH D030342.
Congenital myopathy with internal nuclei and atypical cores. Also called: Myopathy, centronuclear, 4. Identifiers: Orphanet 319160, MedGen C4707232, MONDO:0013890, OMIM 614807.

Allele frequency attached by ClinVar (database versions not stated): TOPMed 0.00008; gnomAD 0.00010.
gnomAD v4.1: 47 of 1,607,340 alleles (0.0029%); highest among the groups gnomAD compares: East Asian, 0.02%; 1 homozygote.

Submissions (3):

Labcorp Genetics (formerly Invitae), Labcorp
Classification: Uncertain significance for Congenital myopathy with internal nuclei and atypical cores. Last evaluated: 2025-12-06. Review status: criteria provided, single submitter. Criteria: Invitae Variant Classification Sherloc (09022015). Collection method: clinical testing. Allele origin: germline.
Comment: This sequence change replaces asparagine, which is neutral and polar, with lysine, which is basic and polar, at codon 156 of the CCDC78 protein (p.Asn156Lys). This variant is present in population databases (rs370998388, gnomAD 0.07%), and has an allele count higher than expected for a pathogenic variant. This variant has not been reported in the literature in individuals affected with CCDC78-related conditions. ClinVar contains an entry for this variant (Variation ID: 473259). Invitae Evidence Modeling of protein sequence and biophysical properties (such as structural, functional, and spatial information, amino acid conservation, physicochemical variation, residue mobility, and thermodynamic stability) indicates that this missense variant is not expected to disrupt CCDC78 protein function with a negative predictive value of 80%. In summary, the available evidence is currently insufficient to determine the role of this variant in disease. Therefore, it has been classified as a Variant of Uncertain Significance.

Ambry Genetics
Classification: Uncertain significance for Inborn genetic diseases. Last evaluated: 2025-08-01. Review status: criteria provided, single submitter. Criteria: Ambry Variant Classification Scheme 2023. Collection method: clinical testing. Allele origin: germline.

GeneDx
Classification: Likely benign. Last evaluated: 2018-10-30. Review status: criteria provided, single submitter. Criteria: GeneDx Variant Classification Process June 2021. Collection method: clinical testing. Allele origin: germline. Affected: yes.
Comment: See Variant Classification Assertion Criteria.